The following is an entry in ClinVar:

ClinVar aggregate classification (germline): Pathogenic. Review status: criteria provided, multiple submitters, no conflicts (2 of 4 stars). 7 submissions from 7 submitters: Pathogenic (7). Last evaluated 2025-06-20.

Conditions:
Mucopolysaccharidosis, MPS-III-A (MPS3A). Also called: MUCOPOLYSACCHARIDOSIS, TYPE IIIA, ATTENUATED; Mucopolysaccharidosis type IIIA (Sanfilippo A); mucopolysaccharidosis type 3A; MPS IIIA (Sanfilippo Syndrome Type A); Mucopolysaccharidosis, type IIIA; MPS III A. Identifiers: Orphanet 581, Orphanet 79269, MedGen C0086647, MONDO:0009655, OMIM 252900.
Inborn genetic diseases. Identifiers: MedGen C0950123, MeSH D030342.
Mucopolysaccharidosis, MPS-II (MPS2). Also called: Attenuated MPS (subtype; formerly known as mild MPS II); Severe MPS II; I2S deficiency; MPS 2; IDS deficiency; Sulfoiduronate sulfatase deficiency. Identifiers: Orphanet 580, Orphanet 79388, MedGen C0026705, MONDO:0010674, OMIM 309900.

Submissions (7):

Foundation for Research in Genetics and Endocrinology, FRIGE's Institute of Human Genetics
Classification: Pathogenic for Mucopolysaccharidosis, MPS-II. Last evaluated: 2025-06-20. Review status: criteria provided, single submitter. Criteria: ACMG Guidelines, 2015. Collection method: clinical testing. Allele origin: germline. Inheritance: X-linked recessive inheritance. Affected: yes. Observed: 1 hemizygote.
Comment: A hemizygous variant in exon 3 of the IDS gene that results in the amino acid substitution of Leucine for Proline at codon 86 was detected. The observed variant c.257C>T (p.Pro86Leu) has not been reported in the 1000 genomes and gnomAD databases. The in silico prediction of the variant is deleterious by Mutation Taster, SIFT, FATHMM and DANN. In summary, the variant meets our criteria to be classified as pathogenic.

Natera, Inc.
Classification: Pathogenic for Mucopolysaccharidosis type IIIA. Last evaluated: 2024-07-01. Review status: criteria provided, single submitter. Criteria: Natera Variant Classification Schema (03/2026). Collection method: clinical testing. Allele origin: germline.
Comment: The c.257C>T variant in IDS is a missense variant predicted to cause substitution of proline to leucine at amino acid 86. This variant is rare in the general population with a frequency below the threshold expected for the associated phenotype(s). This variant has been observed in affected individual(s) with monoallelic occurrence (heterozygous/hemizygous) (PMID: 27883178, 33960103). This variant has been observed to segregate in affected family members (PMID: 27883178, 33960103). Functional studies show that this variant may disrupt protein function (PMID: 9501270, 17091340, 17063374, 26407519). A different variant at the same position has been determined to be Pathogenic or Likely Pathogenic. Computational prediction algorithms indicate this variant is likely to affect gene or protein function. Given the available evidence, this variant is classified as Pathogenic.

Laboratory of Diagnosis and Therapy of Lysosomal Disorders, University of Padova
Classification: Pathogenic for Mucopolysaccharidosis, MPS-II. Last evaluated: 2024-06-07. Review status: criteria provided, single submitter. Criteria: ACMG Guidelines, 2015. Collection method: literature only. Allele origin: germline. Affected: yes. Observed: 33 variant alleles.
Comment: In vitro or in vivo functional studies supportive of a damaging effect (PS3_Strong), Prevalence of the variant significantly increased in affected individuals compared with controls (PS4_Strong), Absent from controls (or at low frequency) in gnomAD database (PM2_Moderate), Cosegregation with disease in multiple affected family members (PP1_Moderate), Missense variant in a gene with a low rate of benign missense variation (PP2_Supporting), Multiple lines of computational evidence support a deleterious effect (PP3_Supporting), Patient’s phenotype or family history highly specific for the disease (PP4_Moderate)

Classification method: ACMG Guidelines [PMID:25741868] with modifications

CeGaT Center for Human Genetics Tuebingen
Classification: Pathogenic. Last evaluated: 2024-06-01. Review status: criteria provided, single submitter. Criteria: CeGaT Center For Human Genetics Tuebingen Variant Classification Criteria Version 2. Collection method: clinical testing. Allele origin: germline. Affected: yes. Observed: 1 variant allele.
Comment: IDS: PM1, PM2, PM5, PM6, PS4:Moderate, PP3, PS3:Supporting

Revvity Omics, Revvity
Classification: Pathogenic for Mucopolysaccharidosis, MPS-II. Last evaluated: 2022-06-29. Review status: criteria provided, single submitter. Criteria: ACMG Guidelines, 2015. Collection method: clinical testing. Allele origin: germline.

Labcorp Genetics (formerly Invitae), Labcorp
Classification: Pathogenic for Mucopolysaccharidosis, MPS-II. Last evaluated: 2022-06-15. Review status: criteria provided, single submitter. Criteria: Invitae Variant Classification Sherloc (09022015). Collection method: clinical testing. Allele origin: germline.
Comment: ClinVar contains an entry for this variant (Variation ID: 527322). For these reasons, this variant has been classified as Pathogenic. Algorithms developed to predict the effect of sequence changes on RNA splicing suggest that this variant may disrupt the consensus splice site. Experimental studies have shown that this missense change affects IDS function (PMID: 9573369, 26407519). Advanced modeling of protein sequence and biophysical properties (such as structural, functional, and spatial information, amino acid conservation, physicochemical variation, residue mobility, and thermodynamic stability) performed at Invitae indicates that this missense variant is expected to disrupt IDS protein function. This missense change has been observed in individual(s) with mucopolysaccharidosis (MPS) type II (PMID: 7728156, 9573369, 10215411, 17063374, 22976768, 24515576, 28077157). In at least one individual the variant was observed to be de novo. This variant is not present in population databases (gnomAD no frequency). This sequence change replaces proline, which is neutral and non-polar, with leucine, which is neutral and non-polar, at codon 86 of the IDS protein (p.Pro86Leu).

Ambry Genetics
Classification: Pathogenic for Inborn genetic diseases. Last evaluated: 2018-06-05. Review status: criteria provided, single submitter. Criteria: Ambry Variant Classification Scheme 2023. Collection method: clinical testing. Allele origin: germline.
Comment: The p.P86L pathogenic mutation (also known as c.257C>T), located in coding exon 3 of the IDS gene, results from a C to T substitution at nucleotide position 257. The proline at codon 86 is replaced by leucine, an amino acid with a few similar properties. This mutation has been detected in several individuals with Mucopolysaccharidosis type II (MPS II; also called Hunter syndrome) (Popowska E, et al. Hum. Mutat. 1995;5(1):97-100; Vafiadaki E, et al. Arch. Dis. Child. 1998 79(3):237-41; Isogai K, et al. J. Inherit. Metab. Dis. 1998;21(1):60-70; Lampe C et al. JIMD Rep, 2014 Mar;14:99-113; Kosuga M et al. Mol. Genet. Metab., 2016 07;118:190-7), and occurred de novo in at least one individual (Chiong MA et al. Orphanet J Rare Dis, 2017 01;12:7). In addition, several functional studies have shown that this mutation disrupts splicing, resulting in a truncated mRNA product which causes a decrease in IDS enzymatic activity and lysosomal formation (Isogai K, et al. J. Inherit. Metab. Dis. 1998;21(1):60-70; Sukegawa-Hayasaka K, et al. J. Inherit. Metab. Dis. 2006 Dec; 29(6):755-61; Matos L et al. Biochim. Biophys. Acta, 2015 Dec;1852:2712-21; Millat G et al. Biochim. Biophys. Acta, 1998 Mar;1406:214-8). Based on the supporting evidence, this alteration is interpreted as a disease-causing mutation.

Literature cited by the submitters: PubMed 27883178 (cited by Natera, Inc. and Laboratory of Diagnosis and Therapy of Lysosomal Disorders, University of Padova); PubMed 33960103 (cited by Natera, Inc. and Laboratory of Diagnosis and Therapy of Lysosomal Disorders, University of Padova); PubMed 9501270 (cited by 3 submitters); PubMed 17091340 (cited by Natera, Inc. and Ambry Genetics); PubMed 17063374 (cited by 3 submitters); PubMed 26407519 (cited by 3 submitters); PubMed 10215411 (cited by Laboratory of Diagnosis and Therapy of Lysosomal Disorders, University of Padova and Labcorp Genetics (formerly Invitae), Labcorp); PubMed 24125893 (cited by Laboratory of Diagnosis and Therapy of Lysosomal Disorders, University of Padova); PubMed 28077157 (cited by 3 submitters); PubMed 24780617 (cited by Laboratory of Diagnosis and Therapy of Lysosomal Disorders, University of Padova); PubMed 34813777 (cited by Laboratory of Diagnosis and Therapy of Lysosomal Disorders, University of Padova); PubMed 9660053 (cited by Laboratory of Diagnosis and Therapy of Lysosomal Disorders, University of Padova); PubMed 35225932 (cited by Laboratory of Diagnosis and Therapy of Lysosomal Disorders, University of Padova); PubMed 18500569 (cited by Laboratory of Diagnosis and Therapy of Lysosomal Disorders, University of Padova); PubMed 27246110 (cited by Laboratory of Diagnosis and Therapy of Lysosomal Disorders, University of Padova and Ambry Genetics); PubMed 24515576 (cited by 3 submitters); PubMed 7728156 (cited by 3 submitters); PubMed 29671225 (cited by Laboratory of Diagnosis and Therapy of Lysosomal Disorders, University of Padova); PubMed 33676511 (cited by Laboratory of Diagnosis and Therapy of Lysosomal Disorders, University of Padova); PubMed 9875019 (cited by Laboratory of Diagnosis and Therapy of Lysosomal Disorders, University of Padova and Ambry Genetics); PubMed 28543354 (cited by Laboratory of Diagnosis and Therapy of Lysosomal Disorders, University of Padova); PubMed 30639582 (cited by Laboratory of Diagnosis and Therapy of Lysosomal Disorders, University of Padova); PubMed 36713083 (cited by Laboratory of Diagnosis and Therapy of Lysosomal Disorders, University of Padova); PubMed 36945845 (cited by Laboratory of Diagnosis and Therapy of Lysosomal Disorders, University of Padova); PubMed 9573369 (cited by Labcorp Genetics (formerly Invitae), Labcorp and Ambry Genetics); PubMed 22976768 (cited by Labcorp Genetics (formerly Invitae), Labcorp).

NM_000202.8(IDS):c.257C>T (p.Pro86Leu)

Gene: IDS (iduronate 2-sulfatase; minus strand). Cytogenetic location: Xq28.
Variant type: single nucleotide variant.
Coding change: c.257C>T on transcript NM_000202.8 (MANE Select); coding-DNA position 257, C replaced by T.
Protein change: p.Pro86Leu; replaces proline 86 with leucine.
Molecular consequence: missense variant. On other transcripts: non-coding transcript variant (1), intron variant (1).
Genome position (GRCh38, 1-based): chrX:149,503,473, G>A on the plus strand (C>T on the coding strand, the complement: IDS is on the minus strand). VCF-style: chrX-149503473-G-A. GRCh37 (hg19) VCF-style: chrX-148585003-G-A.
Other names: p.Pro86Leu; c.257C>T, p.Pro86Leu (NM_006123.5); c.15-28C>T (NM_001166550.4); c.257C>T (NM_000202.7); short protein forms P86L.
Identifiers: ClinVar variation 527322 (VCV000527322.33), dbSNP rs1557340280, ClinGen allele CA414526900.
Genomic context (GRCh38, chrX:149,503,473, plus strand): 5'-TTGAAGTCGTACAGGCGGGTGGTGTCAGGTCTCCTGCCAGTGAGGAAAGAAACGCGGCTC[G>A]GGGCGCACACTGCTTGCTGTTAGGGAGCAGAAGCAGAGGTAAGCATCGCCACAGCAAAAC-3'
Protein context (NP_000193.1, residues 76-96): NAFAQQAVCA[Pro86Leu]SRVSFLTGRR